The following is an entry in ClinVar:

NM_152296.5(ATP1A3):c.2767G>T (p.Asp923Tyr)

Gene: ATP1A3 (ATPase Na+/K+ transporting subunit alpha 3; minus strand). Cytogenetic location: 19q13.2.
Variant type: single nucleotide variant.
Coding change: c.2767G>T on transcript NM_152296.5 (MANE Select); coding-DNA position 2767, G replaced by T.
Protein change: p.Asp923Tyr; replaces aspartic acid 923 with tyrosine.
Molecular consequence: missense variant.
Genome position (GRCh38, 1-based): chr19:41,968,837, C>A on the plus strand (G>T on the coding strand, the complement: ATP1A3 is on the minus strand). VCF-style: chr19-41968837-C-A. GRCh37 (hg19) VCF-style: chr19-42472989-C-A.
Other names: c.2800G>T, p.Asp934Tyr (NM_001256213.2); c.2806G>T, p.Asp936Tyr (NM_001256214.2); short protein forms D923Y, D936Y, D934Y.
Identifiers: ClinVar variation 161148 (VCV000161148.8), dbSNP rs267606670, ClinGen allele CA346037.

ClinVar aggregate classification (germline): Pathogenic. Review status: criteria provided, multiple submitters, no conflicts (2 of 4 stars). 3 submissions from 3 submitters: Pathogenic (2). 1 of the submissions does not count toward it. Last evaluated 2021-08-27.

Conditions:
Alternating hemiplegia of childhood 2 (AHC2). Also called: Alternating Hemiplegia of Childhood (AHC). Identifiers: Orphanet 2131, MedGen C3553788, MONDO:0013900, OMIM 614820.
Dystonia 12 (DYT12). Also called: DYT-ATP1A3; Rapid-Onset Dystonia-Parkinsonism (RDP). Identifiers: Orphanet 71517, MedGen C1868681, MONDO:0007496, OMIM 128235.

Submissions (3):

Labcorp Genetics (formerly Invitae), Labcorp
Classification: Pathogenic for Dystonia 12. Last evaluated: 2021-08-27. Review status: criteria provided, single submitter. Criteria: Invitae Variant Classification Sherloc (09022015). Collection method: clinical testing. Allele origin: germline.
Comment: Algorithms developed to predict the effect of missense changes on protein structure and function are either unavailable or do not agree on the potential impact of this missense change (SIFT: "Deleterious"; PolyPhen-2: "Probably Damaging"; Align-GVGD: "Class C0"). ClinVar contains an entry for this variant (Variation ID: 161148). This missense change has been observed in individual(s) with alternating hemiplegia of childhood (PMID: 22850527, 24842602). In at least one individual the variant was observed to be de novo. This variant is not present in population databases (ExAC no frequency). This sequence change replaces aspartic acid with tyrosine at codon 923 of the ATP1A3 protein (p.Asp923Tyr). The aspartic acid residue is moderately conserved and there is a large physicochemical difference between aspartic acid and tyrosine. This variant disrupts the p.Asp923 amino acid residue in ATP1A3. Other variant(s) that disrupt this residue have been determined to be pathogenic (PMID: 19652145, 20576601, 23483595, 24123283). This suggests that this residue is clinically significant, and that variants that disrupt this residue are likely to be disease-causing. For these reasons, this variant has been classified as Pathogenic.

GeneDx
Classification: Pathogenic. Last evaluated: 2017-04-28. Review status: criteria provided, single submitter. Criteria: GeneDx Variant Classification (06012015). Collection method: clinical testing. Allele origin: germline. Affected: yes.
Comment: The D923Y variant in the ATP1A3 gene has been reported previously as a de novo change in an individual with alternating hemiplegia of childhood (Rosewich et al., 2012). In addition, a missense variant at the same residue (D923N) has been reported in association with ATP1A3-related disorders (Anselm et al., 2009; Brashear et al., 2012; Roubergue et al., 2013; Sasaki et al., 2014). The D923Y variant is not observed in large population cohorts (Lek et al., 2016; 1000 Genomes Consortium et al., 2015; Exome Variant Server). The D923Y variant is a non-conservative amino acid substitution, which is likely to impact secondary protein structure as these residues differ in polarity, charge, size and/or other properties. This substitution occurs at a position that is conserved across species, and in silico analysis predicts this variant is probably damaging to the protein structure/function. We interpret D923Y as a pathogenic variant

OMIM
Classification: Pathogenic for ALTERNATING HEMIPLEGIA OF CHILDHOOD 2. Last evaluated: 2012-09-01. Review status: no assertion criteria provided. Collection method: literature only. Allele origin: germline. Not counted in ClinVar's aggregate classification.

Literature cited by the submitters: PubMed 22850527 (cited by Labcorp Genetics (formerly Invitae), Labcorp and OMIM); PubMed 24842602 (cited by Labcorp Genetics (formerly Invitae), Labcorp); PubMed 19652145 (cited by Labcorp Genetics (formerly Invitae), Labcorp); PubMed 20576601 (cited by Labcorp Genetics (formerly Invitae), Labcorp); PubMed 23483595 (cited by Labcorp Genetics (formerly Invitae), Labcorp); PubMed 24123283 (cited by Labcorp Genetics (formerly Invitae), Labcorp).